The following is an entry in ClinVar:

NM_032043.3(BRIP1):c.3028del (p.Gln1010fs)

Gene: BRIP1 (BRCA1 interacting DNA helicase 1; minus strand). Cytogenetic location: 17q23.2.
Variant type: Deletion.
Coding change: c.3028del on transcript NM_032043.3 (MANE Select); coding-DNA position 3028, one base deleted (C; older notation c.3028delC).
Protein change: p.Gln1010fs; shifts the reading frame from glutamine 1010.
Molecular consequence: frameshift variant.
Genome position (GRCh38, 1-based): chr17:61,684,018, G deleted on the plus strand (C on the coding strand, the reverse complement: BRIP1 is on the minus strand). VCF-style (leftmost placement, unchanged base first): chr17-61684017-TG-T. GRCh37 (hg19) VCF-style: chr17-59761378-TG-T.
Other names: short protein forms Q1010fs.
Identifiers: ClinVar variation 3756576 (VCV003756576.2).

ClinVar aggregate classification (germline): Uncertain significance (1 of 4 stars; one submission).

Conditions:
Fanconi anemia complementation group J. Also called: BRIP1-Related Fanconi Anemia. Identifiers: Orphanet 84, MedGen C1836860, MONDO:0012187, OMIM 609054.
Familial cancer of breast. Also called: BREAST CANCER, FAMILIAL; Hereditary breast cancer; hereditary breast carcinoma. Identifiers: Orphanet 227535, MedGen C0346153, MONDO:0016419, OMIM 114480. Disease mechanism: loss of function.

Submission:

Labcorp Genetics (formerly Invitae), Labcorp
Classification: Uncertain significance for Familial cancer of breast; Fanconi anemia complementation group J. Last evaluated: 2025-07-15. Review status: criteria provided, single submitter. Criteria: Invitae Variant Classification Sherloc (09022015). Collection method: clinical testing. Allele origin: germline.
Comment: This sequence change creates a premature translational stop signal (p.Gln1010Serfs*49) in the BRIP1 gene. While this is not anticipated to result in nonsense mediated decay, it is expected to disrupt the last 240 amino acid(s) of the BRIP1 protein. This variant is not present in population databases (gnomAD no frequency). This variant has not been reported in the literature in individuals affected with BRIP1-related conditions. ClinVar contains an entry for this variant (Variation ID: 3756576). In summary, the available evidence is currently insufficient to determine the role of this variant in disease. Therefore, it has been classified as a Variant of Uncertain Significance.